The following is an entry in ClinVar:

ClinVar aggregate classification (germline): Uncertain significance. Review status: criteria provided, multiple submitters, no conflicts (2 of 4 stars). 2 submissions from 2 submitters: Uncertain significance (2). Last evaluated 2024-10-21.

Conditions:
Inborn genetic diseases. Identifiers: MedGen C0950123, MeSH D030342.

Allele frequency attached by ClinVar (database versions not stated): TOPMed below 0.00001; gnomAD 0.00001.
gnomAD v4.1: 14 of 1,612,228 alleles (0.00087%); highest among the groups gnomAD compares: Non-Finnish European, 0.0011%; no homozygotes.

Submissions (2):

Ambry Genetics
Classification: Uncertain significance for Inborn genetic diseases. Last evaluated: 2024-10-21. Review status: criteria provided, single submitter. Criteria: Ambry Variant Classification Scheme 2023. Collection method: clinical testing. Allele origin: germline.

Labcorp Genetics (formerly Invitae), Labcorp
Classification: Uncertain significance. Last evaluated: 2022-12-08. Review status: criteria provided, single submitter. Criteria: Invitae Variant Classification Sherloc (09022015). Collection method: clinical testing. Allele origin: germline.
Comment: This variant is not present in population databases (gnomAD no frequency). This variant has not been reported in the literature in individuals affected with MAP3K7-related conditions. ClinVar contains an entry for this variant (Variation ID: 853051). Algorithms developed to predict the effect of missense changes on protein structure and function are either unavailable or do not agree on the potential impact of this missense change (SIFT: "Deleterious"; PolyPhen-2: "Probably Damaging"; Align-GVGD: "Class C0"). In summary, the available evidence is currently insufficient to determine the role of this variant in disease. Therefore, it has been classified as a Variant of Uncertain Significance. This sequence change replaces glycine, which is neutral and non-polar, with aspartic acid, which is acidic and polar, at codon 411 of the MAP3K7 protein (p.Gly411Asp).

NM_145331.3(MAP3K7):c.1232G>A (p.Gly411Asp)

Gene: MAP3K7 (mitogen-activated protein kinase kinase kinase 7; minus strand). Cytogenetic location: 6q15.
Variant type: single nucleotide variant.
Coding change: c.1232G>A on transcript NM_145331.3 (MANE Select); coding-DNA position 1232, G replaced by A.
Protein change: p.Gly411Asp; replaces glycine 411 with aspartic acid.
Molecular consequence: missense variant. On other transcripts: intron variant (2).
Genome position (GRCh38, 1-based): chr6:90,544,611, C>T on the plus strand (G>A on the coding strand, the complement: MAP3K7 is on the minus strand). VCF-style: chr6-90544611-C-T. GRCh37 (hg19) VCF-style: chr6-91254330-C-T.
Other names: c.1232G>A, p.Gly411Asp (NM_145332.3); c.1210+2647G>A (NM_145333.3, NM_003188.4); c.1232G>A (NM_145331.1); short protein forms G411D.
Identifiers: ClinVar variation 853051 (VCV000853051.12), dbSNP rs1426464104, ClinGen allele CA365008420.